The following is an entry in ClinVar:

NM_000439.5(PCSK1):c.1125G>A (p.Thr375=)

Genes: CAST (calpastatin; plus strand), PCSK1 (proprotein convertase subtilisin/kexin type 1; minus strand), LOC101929710 (uncharacterized LOC101929710; plus strand). Cytogenetic location: 5q15.
Variant type: single nucleotide variant.
Coding change: c.1125G>A on transcript NM_000439.5 (MANE Select); coding-DNA position 1125, G replaced by A.
Protein change: p.Thr375=; no amino-acid change (threonine 375 retained).
Molecular consequence: synonymous variant. On other transcripts: intron variant (11).
Genome position (GRCh38, 1-based): chr5:96,408,294, C>T on the plus strand (G>A on the coding strand, the complement: PCSK1 is on the minus strand). VCF-style: chr5-96408294-C-T. GRCh37 (hg19) VCF-style: chr5-95743998-C-T.
Other names: c.984G>A, p.Thr328= (NM_001177875.2); c.-175+28642C>T (NM_001423254.1, NM_001423259.1, NM_001423255.1 and 6 more transcripts); c.-103+28642C>T (NM_001423253.1); c.-40+28642C>T (NM_001423258.1).
Identifiers: ClinVar variation 3022010 (VCV003022010.4), dbSNP rs760792790, ClinGen allele CA3350289.

ClinVar aggregate classification (germline): Likely benign. Review status: criteria provided, single submitter (1 of 4 stars). 2 submissions from 2 submitters: Likely benign (1). 1 of the submissions does not count toward it. Last evaluated 2023-01-24.

Conditions:
PCSK1-related disorder. Also called: PCSK1-related condition.

Allele frequency attached by ClinVar (database versions not stated): gnomAD 0.00001; ExAC 0.00002.
gnomAD v4.1: 11 of 1,613,874 alleles (0.00068%); highest among the groups gnomAD compares: East Asian, 0.0045%; no homozygotes.

Submissions (2):

Labcorp Genetics (formerly Invitae), Labcorp
Classification: Likely benign. Last evaluated: 2023-01-24. Review status: criteria provided, single submitter. Criteria: Invitae Variant Classification Sherloc (09022015). Collection method: clinical testing. Allele origin: germline.

PreventionGenetics, part of Exact Sciences
Classification: Likely benign for PCSK1-related condition. Last evaluated: 2022-07-06. Review status: no assertion criteria provided. Collection method: clinical testing. Allele origin: germline. Not counted in ClinVar's aggregate classification.
Comment: This variant is classified as likely benign based on ACMG/AMP sequence variant interpretation guidelines (Richards et al. 2015 PMID: 25741868, with internal and published modifications).